The following is an entry in ClinVar:

ClinVar aggregate classification (germline): Conflicting classifications of pathogenicity. Review status: criteria provided, conflicting classifications (1 of 4 stars). 3 submissions from 3 submitters: Uncertain significance (2); Likely benign (1). Last evaluated 2025-06-04.

Conditions:
Hereditary nonpolyposis colorectal neoplasms. Identifiers: MedGen C0009405, MeSH D003123.
Hereditary cancer-predisposing syndrome. Also called: Neoplastic Syndromes, Hereditary; Tumor predisposition; Hereditary Cancer Syndrome; Hereditary neoplastic syndrome. Identifiers: Orphanet 140162, MedGen C0027672, MeSH D009386, MONDO:0015356.

Allele frequency attached by ClinVar (database versions not stated): gnomAD 0.00003.

Submissions (3):

Labcorp Genetics (formerly Invitae), Labcorp
Classification: Uncertain significance for Hereditary nonpolyposis colorectal neoplasms. Last evaluated: 2025-06-04. Review status: criteria provided, single submitter. Criteria: Invitae Variant Classification Sherloc (09022015). Collection method: clinical testing. Allele origin: germline.
Comment: This sequence change replaces serine, which is neutral and polar, with cysteine, which is neutral and slightly polar, at codon 455 of the PMS2 protein (p.Ser455Cys). This variant is present in population databases (no rsID available, gnomAD 0.007%). This variant has not been reported in the literature in individuals affected with PMS2-related conditions. ClinVar contains an entry for this variant (Variation ID: 231456). Invitae Evidence Modeling incorporating data from in vitro experimental studies (internal data) indicates that this missense variant is not expected to disrupt PMS2 function with a negative predictive value of 95%. In summary, the available evidence is currently insufficient to determine the role of this variant in disease. Therefore, it has been classified as a Variant of Uncertain Significance.

Ambry Genetics
Classification: Likely benign for Hereditary cancer-predisposing syndrome. Last evaluated: 2024-05-29. Review status: criteria provided, single submitter. Criteria: Ambry Variant Classification Scheme 2023. Collection method: clinical testing. Allele origin: germline.

Color Diagnostics, LLC DBA Color Health
Classification: Uncertain significance for Hereditary cancer-predisposing syndrome. Last evaluated: 2019-01-10. Review status: criteria provided, single submitter. Criteria: ACMG Guidelines, 2015. Collection method: clinical testing. Allele origin: germline.

NM_000535.7(PMS2):c.1364C>G (p.Ser455Cys)

Gene: PMS2 (PMS1 homolog 2, mismatch repair system component; minus strand). Cytogenetic location: 7p22.1.
Variant type: single nucleotide variant.
Coding change: c.1364C>G on transcript NM_000535.7 (MANE Select); coding-DNA position 1364, C replaced by G.
Protein change: p.Ser455Cys; replaces serine 455 with cysteine.
Molecular consequence: missense variant. On other transcripts: non-coding transcript variant (1).
Genome position (GRCh38, 1-based): chr7:5,987,401, G>C on the plus strand (C>G on the coding strand, the complement: PMS2 is on the minus strand). VCF-style: chr7-5987401-G-C. GRCh37 (hg19) VCF-style: chr7-6027032-G-C.
Other names: c.959C>G, p.Ser320Cys (NM_001322003.2, NM_001322004.2, NM_001322005.2 and 1 more transcripts); c.1208C>G, p.Ser403Cys (NM_001322006.2); c.1046C>G, p.Ser349Cys (NM_001322007.2, NM_001322008.2); c.803C>G, p.Ser268Cys (NM_001322010.2); c.431C>G, p.Ser144Cys (NM_001322011.2, NM_001322012.2); c.791C>G, p.Ser264Cys (NM_001322013.2); c.1364C>G, p.Ser455Cys (NM_001322014.2); c.1055C>G, p.Ser352Cys (NM_001322015.2); short protein forms S455C, S144C, S264C, S268C, S320C, S352C, S403C, S349C.
Identifiers: ClinVar variation 231456 (VCV000231456.16), dbSNP rs748698776, ClinGen allele CA10578678.